The following is an entry in ClinVar:

ClinVar aggregate classification (germline): Uncertain significance (1 of 4 stars; one submission).

Conditions:
Hereditary cancer-predisposing syndrome. Also called: Neoplastic Syndromes, Hereditary; Tumor predisposition; Hereditary neoplastic syndrome; Hereditary Cancer Syndrome. Identifiers: Orphanet 140162, MedGen C0027672, MeSH D009386, MONDO:0015356.

Submission:

Ambry Genetics
Classification: Uncertain significance for Hereditary cancer-predisposing syndrome. Last evaluated: 2026-07-07. Review status: criteria provided, single submitter. Criteria: Ambry Variant Classification Scheme 2023. Collection method: clinical testing. Allele origin: germline.
Comment: The p.P282L variant (also known as c.845C>T), located in coding exon 7 of the SUFU gene, results from a C to T substitution at nucleotide position 845. The proline at codon 282 is replaced by leucine, an amino acid with similar properties. This amino acid position is conserved. In addition, the in silico prediction for this alteration is inconclusive. Based on the available evidence, the clinical significance of this variant remains unclear.

NM_016169.4(SUFU):c.845C>T (p.Pro282Leu)

Gene: SUFU (SUFU negative regulator of hedgehog signaling; plus strand). Cytogenetic location: 10q24.32.
Variant type: single nucleotide variant.
Coding change: c.845C>T on transcript NM_016169.4 (MANE Select); coding-DNA position 845, C replaced by T.
Protein change: p.Pro282Leu; replaces proline 282 with leucine.
Molecular consequence: missense variant.
Genome position (GRCh38, 1-based): chr10:102,597,228, C>T. VCF-style: chr10-102597228-C-T. GRCh37 (hg19) VCF-style: chr10-104356985-C-T.
Other names: c.845C>T, p.Pro282Leu (NM_001178133.2); short protein forms P282L.
Identifiers: ClinVar variation 5030420 (VCV005030420.1).
Genomic context (GRCh38, chr10:102,597,228, plus strand): 5'-ATGGCTCCAACCTGAGTGGTGTCAGTGCCAAGTGTGCCTGGGATGACCTGAGCCGGCCCC[C>T]CGAGGATGACGAGGACAGCCGGAGCATCTGCATCGGCACACAGCCCCGGCGACTCTCTGG-3'
Protein context (NP_057253.2, residues 272-292): KCAWDDLSRP[Pro282Leu]EDDEDSRSIC